The following is an entry in ClinVar:

NM_001034116.2(EIF2B4):c.566A>G (p.Gln189Arg)

Gene: EIF2B4 (eukaryotic translation initiation factor 2B subunit delta; minus strand). Cytogenetic location: 2p23.3.
Variant type: single nucleotide variant.
Coding change: c.566A>G on transcript NM_001034116.2 (MANE Select); coding-DNA position 566, A replaced by G.
Protein change: p.Gln189Arg; replaces glutamine 189 with arginine.
Molecular consequence: missense variant. On other transcripts: 5 prime UTR variant (2).
Genome position (GRCh38, 1-based): chr2:27,368,396, T>C on the plus strand (A>G on the coding strand, the complement: EIF2B4 is on the minus strand). VCF-style: chr2-27368396-T-C. GRCh37 (hg19) VCF-style: chr2-27591263-T-C.
Other names: c.629A>G, p.Gln210Arg (NM_001318965.2); c.521A>G, p.Gln174Arg (NM_001318966.2); c.473A>G, p.Gln158Arg (NM_001318967.2); c.-20A>G (NM_001318968.2); c.-27A>G (NM_001318969.2); c.563A>G, p.Gln188Arg (NM_015636.4); c.626A>G, p.Gln209Arg (NM_172195.4); c.563A>G (NM_015636.3); short protein forms Q189R, Q174R, Q188R, Q209R, Q158R, Q210R.
Identifiers: ClinVar variation 1044911 (VCV001044911.7), dbSNP rs375458330, ClinGen allele CA1576857.

ClinVar aggregate classification (germline): Uncertain significance. Review status: criteria provided, multiple submitters, no conflicts (2 of 4 stars). 2 submissions from 2 submitters: Uncertain significance (2). Last evaluated 2025-01-06.

Conditions:
Inborn genetic diseases. Identifiers: MedGen C0950123, MeSH D030342.

Allele frequency attached by ClinVar (database versions not stated): gnomAD exomes 0.00001 and 0.00004; ExAC 0.00003; gnomAD 0.00006 and 0.00008; ESP Exome Variant Server 0.00008; TOPMed 0.00012.

Submissions (2):

Labcorp Genetics (formerly Invitae), Labcorp
Classification: Uncertain significance. Last evaluated: 2025-01-06. Review status: criteria provided, single submitter. Criteria: Invitae Variant Classification Sherloc (09022015). Collection method: clinical testing. Allele origin: germline.
Comment: This sequence change replaces glutamine, which is neutral and polar, with arginine, which is basic and polar, at codon 188 of the EIF2B4 protein (p.Gln188Arg). This variant is present in population databases (rs375458330, gnomAD 0.05%). This variant has not been reported in the literature in individuals affected with EIF2B4-related conditions. ClinVar contains an entry for this variant (Variation ID: 1044911). An algorithm developed to predict the effect of missense changes on protein structure and function outputs the following: PolyPhen-2: "Benign". The arginine amino acid residue is found in multiple mammalian species, which suggests that this missense change does not adversely affect protein function. In summary, the available evidence is currently insufficient to determine the role of this variant in disease. Therefore, it has been classified as a Variant of Uncertain Significance.

Ambry Genetics
Classification: Uncertain significance for Inborn genetic diseases. Last evaluated: 2023-11-14. Review status: criteria provided, single submitter. Criteria: Ambry Variant Classification Scheme 2023. Collection method: clinical testing. Allele origin: germline.